The following is an entry in ClinVar:

NM_144997.7(FLCN):c.1539-5T>G

Gene: FLCN (folliculin; minus strand). Cytogenetic location: 17p11.2.
Variant type: single nucleotide variant.
Coding change: c.1539-5T>G on transcript NM_144997.7 (MANE Select); 5 bases into the intron before coding-DNA position 1539, T replaced by G.
Molecular consequence: intron variant.
Genome position (GRCh38, 1-based): chr17:17,213,861, A>C on the plus strand (T>G on the coding strand, the complement: FLCN is on the minus strand). VCF-style: chr17-17213861-A-C. GRCh37 (hg19) VCF-style: chr17-17117175-A-C.
Other names: c.1539-5T>G (LRG_325t1, NM_001353231.2, NM_001353230.2); c.1593-5T>G (NM_001353229.2).
Identifiers: ClinVar variation 230583 (VCV000230583.6), dbSNP rs876658649, ClinGen allele CA10580168.

ClinVar aggregate classification (germline): Uncertain significance (1 of 4 stars; one submission).

Conditions:
Hereditary cancer-predisposing syndrome. Also called: Tumor predisposition; Hereditary neoplastic syndrome; Hereditary Cancer Syndrome; Neoplastic Syndromes, Hereditary. Identifiers: Orphanet 140162, MedGen C0027672, MeSH D009386, MONDO:0015356.

Submission:

Ambry Genetics
Classification: Uncertain significance for Hereditary cancer-predisposing syndrome. Last evaluated: 2026-02-11. Review status: criteria provided, single submitter. Criteria: Ambry Variant Classification Scheme 2023. Collection method: clinical testing. Allele origin: germline.
Comment: The c.1539-5T>G intronic variant results from a T to G substitution 5 nucleotides upstream from coding exon 11 in the FLCN gene. This nucleotide position is not well conserved in available vertebrate species. In silico splice site analysis predicts that this alteration may result in the creation or strengthening of a novel splice acceptor site. Based on the available evidence, the clinical significance of this variant remains unclear.